The following is an entry in ClinVar:

NM_000336.3(SCNN1B):c.777-5T>C

Gene: SCNN1B (sodium channel epithelial 1 subunit beta; plus strand). Cytogenetic location: 16p12.2.
Variant type: single nucleotide variant.
Coding change: c.777-5T>C on transcript NM_000336.3 (MANE Select); 5 bases into the intron before coding-DNA position 777, T replaced by C.
Molecular consequence: intron variant.
Genome position (GRCh38, 1-based): chr16:23,367,851, T>C. VCF-style: chr16-23367851-T-C. GRCh37 (hg19) VCF-style: chr16-23379172-T-C.
Other names: p.?.
Identifiers: ClinVar variation 227060 (VCV000227060.47), dbSNP rs61759915, ClinGen allele CA7960255.

ClinVar aggregate classification (germline): Benign/Likely benign. Review status: criteria provided, multiple submitters, no conflicts (2 of 4 stars). 12 submissions from 10 submitters: Benign (6); Likely benign (5). 1 of the submissions does not count toward it. Last evaluated 2026-02-01.

Conditions:
SCNN1B-related disorder. Also called: SCNN1B-related condition.
Liddle syndrome 1 (LIDLS1). Also called: PSEUDOALDOSTERONISM. Identifiers: Orphanet 526, MedGen CN031472, MONDO:0020607, OMIM 177200.
Pseudohypoaldosteronism, type IB1, autosomal recessive. Also called: PHA I, AUTOSOMAL RECESSIVE; Pseudohypoaldosteronism, Type I, Recessive; Autosomal recessive pseudohypoaldosteronism type 1; Pseudohypoaldosteronism, Type I, Autosomal Recessive. Identifiers: Orphanet 171876, Orphanet 756, MedGen C5774176, MONDO:0009917, OMIM 264350.
Bronchiectasis with or without elevated sweat chloride 1 (BESC1). Also called: Cystic Fibrosis-Like Syndrome. Identifiers: Orphanet 60033, MedGen C2749757, MONDO:0008887, OMIM 211400.

Allele frequency attached by ClinVar (database versions not stated): TOPMed 0.00300; gnomAD 0.00311 and 0.00344; 1000 Genomes Project 0.00379; 1000 Genomes Project 30x 0.00390; gnomAD exomes 0.00409 and 0.00445; ExAC 0.00461; ESP Exome Variant Server 0.00462.

Submissions (12):

CeGaT Center for Human Genetics Tuebingen
Classification: Benign. Last evaluated: 2026-02-01. Review status: criteria provided, single submitter. Criteria: CeGaT Center For Human Genetics Tuebingen Variant Classification Criteria Version 2. Collection method: clinical testing. Allele origin: germline. Affected: yes. Observed: 5 variant alleles.
Comment: SCNN1B: BP4, BS1, BS2

Labcorp Genetics (formerly Invitae), Labcorp
Classification: Benign. Last evaluated: 2026-01-15. Review status: criteria provided, single submitter. Criteria: Invitae Variant Classification Sherloc (09022015). Collection method: clinical testing. Allele origin: germline.

Center for Genomic Medicine, Rigshospitalet, Copenhagen University Hospital
Classification: Likely benign. Last evaluated: 2025-03-04. Review status: criteria provided, single submitter. Criteria: ACMG Guidelines, 2015. Collection method: clinical testing. Allele origin: germline.

Mayo Clinic Laboratories, Mayo Clinic
Classification: Benign. Last evaluated: 2024-11-25. Review status: criteria provided, single submitter. Criteria: ACMG Guidelines, 2015. Collection method: clinical testing. Allele origin: germline. Observed: 2 variant alleles.
Comment: BS1, BS2, BP4

Blueprint Genetics
Classification: Likely benign. Last evaluated: 2024-11-20. Review status: criteria provided, single submitter. Criteria: ACMG Guidelines, 2015. Collection method: clinical testing. Allele origin: germline.

Athena Diagnostics
Classification: Likely benign. Last evaluated: 2019-06-20. Review status: criteria provided, single submitter. Criteria: Athena Diagnostics Criteria. Collection method: clinical testing. Allele origin: germline.

Illumina Laboratory Services, Illumina
Classification: Benign for Liddle syndrome 1. Last evaluated: 2018-01-12. Review status: criteria provided, single submitter. Criteria: ICSL Variant Classification Criteria 13 December 2019. Collection method: clinical testing. Allele origin: germline.
Comment: This variant was observed in the ICSL laboratory as part of a predisposition screen in an ostensibly healthy population. It had not been previously curated by ICSL or reported in the Human Gene Mutation Database (HGMD: prior to June 1st, 2018), and was therefore a candidate for classification through an automated scoring system. Utilizing variant allele frequency, disease prevalence and penetrance estimates, and inheritance mode, an automated score was calculated to assess if this variant is too frequent to cause the disease. Based on the score and internal cut-off values, a variant classified as benign is not then subjected to further curation. The score for this variant resulted in a classification of benign for this disease.

Illumina Laboratory Services, Illumina
Classification: Likely benign for Pseudohypoaldosteronism, type IB1, autosomal recessive. Last evaluated: 2018-01-12. Review status: criteria provided, single submitter. Criteria: ICSL Variant Classification Criteria 13 December 2019. Collection method: clinical testing. Allele origin: germline.
Comment: This variant was observed in the ICSL laboratory as part of a predisposition screen in an ostensibly healthy population. It had not been previously curated by ICSL or reported in the Human Gene Mutation Database (HGMD: prior to June 1st, 2018), and was therefore a candidate for classification through an automated scoring system. Utilizing variant allele frequency, disease prevalence and penetrance estimates, and inheritance mode, an automated score was calculated to assess if this variant is too frequent to cause the disease. Based on the score and internal cut-off values, a variant classified as likely benign is not then subjected to further curation. The score for this variant resulted in a classification of likely benign for this disease.

Illumina Laboratory Services, Illumina
Classification: Benign for Bronchiectasis with or without elevated sweat chloride 1. Last evaluated: 2018-01-12. Review status: criteria provided, single submitter. Criteria: ICSL Variant Classification Criteria 13 December 2019. Collection method: clinical testing. Allele origin: germline.
Comment: the same text as in the submission from Illumina Laboratory Services, Illumina above.

Laboratory for Molecular Medicine, Mass General Brigham Personalized Medicine
Classification: Benign. Last evaluated: 2016-02-03. Review status: criteria provided, single submitter. Criteria: LMM Criteria. Collection method: clinical testing. Allele origin: germline. Observed: 1 variant allele.
Comment: c.777-5T>C in intron 4 of SCNN1B: This variant is not expected to have clinical significance because it has been identified in 1% (181/16512) of South Asian chr omosomes, including 4 homozygotes by the Exome Aggregation Consortium (ExAC; dbSNP rs61759915).

Breakthrough Genomics
Classification: Likely benign. Review status: criteria provided, single submitter. Criteria: ACMG Guidelines, 2015. Collection method: not provided. Allele origin: germline. Inheritance: Autosomal dominant inheritance. Affected: yes.

PreventionGenetics, part of Exact Sciences
Classification: Benign for SCNN1B-related condition. Last evaluated: 2019-08-06. Review status: no assertion criteria provided. Collection method: clinical testing. Allele origin: germline. Not counted in ClinVar's aggregate classification.
Comment: This variant is classified as benign based on ACMG/AMP sequence variant interpretation guidelines (Richards et al. 2015 PMID: 25741868, with internal and published modifications).

Literature cited by the submitters: PubMed 19462466 (cited by Athena Diagnostics); PubMed 25900089 (cited by Athena Diagnostics).